The following is an entry in ClinVar:

NM_198253.3(TERT):c.3181G>A (p.Ala1061Thr)

Gene: TERT (telomerase reverse transcriptase; minus strand). Cytogenetic location: 5p15.33.
Variant type: single nucleotide variant.
Coding change: c.3181G>A on transcript NM_198253.3 (MANE Select); coding-DNA position 3181, G replaced by A.
Protein change: p.Ala1061Thr; replaces alanine 1061 with threonine.
Molecular consequence: missense variant. On other transcripts: non-coding transcript variant (2).
Genome position (GRCh38, 1-based): chr5:1,254,482, C>T on the plus strand (G>A on the coding strand, the complement: TERT is on the minus strand). VCF-style: chr5-1254482-C-T. GRCh37 (hg19) VCF-style: chr5-1254597-C-T.
Other names: c.2992G>A, p.Ala998Thr (NM_001193376.3); short protein forms A998T, A1061T.
Identifiers: ClinVar variation 955806 (VCV000955806.11), dbSNP rs1418488828, ClinGen allele CA359067501.

ClinVar aggregate classification (germline): Uncertain significance. Review status: criteria provided, multiple submitters, no conflicts (2 of 4 stars). 2 submissions from 2 submitters: Uncertain significance (2). Last evaluated 2025-03-02.

Conditions:
Dyskeratosis congenita, autosomal dominant 2. Identifiers: MedGen C3151443, MONDO:0013521, OMIM 613989.
Idiopathic Pulmonary Fibrosis. Also called: Idiopathic fibrosing alveolitis, chronic form; idiopathic fibrosing alveolitis. Identifiers: Orphanet 2032, MedGen C1800706, MeSH D054990, MONDO:0800504.
Dyskeratosis congenita. Identifiers: Orphanet 1775, MedGen C0265965, MONDO:0015780.

Allele frequency attached by ClinVar (database versions not stated): gnomAD exomes below 0.00001; TOPMed below 0.00001.
gnomAD v4.1: 4 of 1,612,544 alleles (0.00025%); highest among the groups gnomAD compares: Non-Finnish European, 0.00034%; no homozygotes.

Submissions (2):

Ambry Genetics
Classification: Uncertain significance for Dyskeratosis congenita. Last evaluated: 2025-03-02. Review status: criteria provided, single submitter. Criteria: Ambry Variant Classification Scheme 2023. Collection method: clinical testing. Allele origin: germline.
Comment: The p.A1061T variant (also known as c.3181G>A), located in coding exon 15 of the TERT gene, results from a G to A substitution at nucleotide position 3181. The alanine at codon 1061 is replaced by threonine, an amino acid with similar properties. This amino acid position is conserved. In addition, the in silico prediction for this alteration is inconclusive. Based on the available evidence, the clinical significance of this variant remains unclear.

Labcorp Genetics (formerly Invitae), Labcorp
Classification: Uncertain significance for Dyskeratosis congenita, autosomal dominant 2; Idiopathic Pulmonary Fibrosis. Last evaluated: 2023-09-12. Review status: criteria provided, single submitter. Criteria: Invitae Variant Classification Sherloc (09022015). Collection method: clinical testing. Allele origin: germline.
Comment: This sequence change replaces alanine, which is neutral and non-polar, with threonine, which is neutral and polar, at codon 1061 of the TERT protein (p.Ala1061Thr). This variant is not present in population databases (gnomAD no frequency). This variant has not been reported in the literature in individuals affected with TERT-related conditions. ClinVar contains an entry for this variant (Variation ID: 955806). Advanced modeling of protein sequence and biophysical properties (such as structural, functional, and spatial information, amino acid conservation, physicochemical variation, residue mobility, and thermodynamic stability) performed at Invitae indicates that this missense variant is expected to disrupt TERT protein function. In summary, the available evidence is currently insufficient to determine the role of this variant in disease. Therefore, it has been classified as a Variant of Uncertain Significance.